The following is an entry in ClinVar:

NM_000465.4(BARD1):c.1523A>G (p.Asp508Gly)

Gene: BARD1 (BRCA1 associated RING domain 1; minus strand). Cytogenetic location: 2q35.
Variant type: single nucleotide variant.
Coding change: c.1523A>G on transcript NM_000465.4 (MANE Select); coding-DNA position 1523, A replaced by G.
Protein change: p.Asp508Gly; replaces aspartic acid 508 with glycine.
Molecular consequence: missense variant. On other transcripts: non-coding transcript variant (3), intron variant (3).
Genome position (GRCh38, 1-based): chr2:214,767,527, T>C on the plus strand (A>G on the coding strand, the complement: BARD1 is on the minus strand). VCF-style: chr2-214767527-T-C. GRCh37 (hg19) VCF-style: chr2-215632251-T-C.
Other names: c.1466A>G, p.Asp489Gly (NM_001282543.2); c.159-14972A>G (NM_001282548.2); c.216-14972A>G (NM_001282545.2); c.364+24770A>G (NM_001282549.2); c.1523A>G (NM_000465.3); short protein forms D489G, D508G.
Identifiers: ClinVar variation 2624660 (VCV002624660.5), dbSNP rs769529578, ClinGen allele CA350448253.

ClinVar aggregate classification (germline): Uncertain significance. Review status: criteria provided, multiple submitters, no conflicts (2 of 4 stars). 3 submissions from 3 submitters: Uncertain significance (3). Last evaluated 2026-01-13.

Conditions:
Hereditary cancer-predisposing syndrome. Also called: Tumor predisposition; Hereditary Cancer Syndrome; Hereditary neoplastic syndrome; Neoplastic Syndromes, Hereditary. Identifiers: Orphanet 140162, MedGen C0027672, MeSH D009386, MONDO:0015356.
Familial cancer of breast. Also called: BREAST CANCER, FAMILIAL; Hereditary breast cancer; hereditary breast carcinoma. Identifiers: Orphanet 227535, MedGen C0346153, MONDO:0016419, OMIM 114480. Disease mechanism: loss of function.

gnomAD v4.1: 1 of 1,613,934 alleles (0.000062%); highest among the groups gnomAD compares: African/African-American, 0.0013%; no homozygotes.

Submissions (3):

Labcorp Genetics (formerly Invitae), Labcorp
Classification: Uncertain significance for Familial cancer of breast. Last evaluated: 2026-01-13. Review status: criteria provided, single submitter. Criteria: Invitae Variant Classification Sherloc (09022015). Collection method: clinical testing. Allele origin: germline.
Comment: This sequence change replaces aspartic acid, which is acidic and polar, with glycine, which is neutral and non-polar, at codon 508 of the BARD1 protein (p.Asp508Gly). This variant is not present in population databases (gnomAD no frequency). This variant has not been reported in the literature in individuals affected with BARD1-related conditions. ClinVar contains an entry for this variant (Variation ID: 2624660). An algorithm developed to predict the effect of missense changes on protein structure and function (PolyPhen-2) suggests that this variant is likely to be tolerated. In summary, the available evidence is currently insufficient to determine the role of this variant in disease. Therefore, it has been classified as a Variant of Uncertain Significance.

Ambry Genetics
Classification: Uncertain significance for Hereditary cancer-predisposing syndrome. Last evaluated: 2025-07-22. Review status: criteria provided, single submitter. Criteria: Ambry Variant Classification Scheme 2023. Collection method: clinical testing. Allele origin: germline.
Comment: The p.D508G variant (also known as c.1523A>G), located in coding exon 6 of the BARD1 gene, results from an A to G substitution at nucleotide position 1523. The aspartic acid at codon 508 is replaced by glycine, an amino acid with similar properties. This amino acid position is not well conserved in available vertebrate species. In addition, the in silico prediction for this alteration is inconclusive. Based on the available evidence, the clinical significance of this variant remains unclear.

Department of Pathology and Laboratory Medicine, Sinai Health System
Classification: Uncertain significance for Familial cancer of breast. Last evaluated: 2021-04-08. Review status: criteria provided, single submitter. Criteria: ACMG Guidelines, 2015. Collection method: clinical testing. Allele origin: germline. Affected: yes.